The following is an entry in ClinVar:

ClinVar aggregate classification (germline): Uncertain significance (1 of 4 stars; one submission).

Conditions:
VPS13B-related disorder. Also called: VPS13B-related condition.

Submission:

PreventionGenetics, part of Exact Sciences
Classification: Uncertain significance for VPS13B-related condition. Last evaluated: 2025-04-23. Review status: criteria provided, single submitter. Criteria: ACMG Guidelines, 2015. Collection method: clinical testing. Allele origin: germline.
Comment: The VPS13B c.1637A>G variant is predicted to result in the amino acid substitution p.Asn546Ser. To our knowledge, this variant has not been reported in the literature or in a large population database (gnomAD), indicating this variant is rare. At this time, the clinical significance of this variant is uncertain due to the absence of conclusive functional and genetic evidence.

NM_152564.5(VPS13B):c.1637A>G (p.Asn546Ser)

Gene: VPS13B (vacuolar protein sorting 13 homolog B; plus strand). Cytogenetic location: 8q22.2.
Variant type: single nucleotide variant.
Coding change: c.1637A>G on transcript NM_152564.5 (MANE Select); coding-DNA position 1637, A replaced by G.
Protein change: p.Asn546Ser; replaces asparagine 546 with serine.
Molecular consequence: missense variant.
Genome position (GRCh38, 1-based): chr8:99,136,738, A>G. VCF-style: chr8-99136738-A-G. GRCh37 (hg19) VCF-style: chr8-100148966-A-G.
Other names: c.1637A>G, p.Asn546Ser (NM_015243.3, NM_017890.5); short protein forms N546S.
Identifiers: ClinVar variation 4998484 (VCV004998484.1).